The following is an entry in ClinVar:

NM_001987.5(ETV6):c.1338A>G (p.Ile446Met)

Gene: ETV6 (ETS variant transcription factor 6; plus strand). Cytogenetic location: 12p13.2.
Variant type: single nucleotide variant.
Coding change: c.1338A>G on transcript NM_001987.5 (MANE Select); coding-DNA position 1338, A replaced by G.
Protein change: p.Ile446Met; replaces isoleucine 446 with methionine.
Molecular consequence: missense variant. On other transcripts: 3 prime UTR variant (1).
Genome position (GRCh38, 1-based): chr12:11,891,025, A>G. VCF-style: chr12-11891025-A-G. GRCh37 (hg19) VCF-style: chr12-12043959-A-G.
Other names: c.1335A>G, p.Ile445Met (NM_001413913.1); c.1311A>G, p.Ile437Met (NM_001413914.1); c.1074A>G, p.Ile358Met (NM_001413915.1); c.*77A>G (NM_001413917.1); short protein forms I358M, I437M, I445M, I446M.
Identifiers: ClinVar variation 3846488 (VCV003846488.1).

ClinVar aggregate classification (germline): Uncertain significance (1 of 4 stars; one submission).

Conditions:
Inborn genetic diseases. Identifiers: MedGen C0950123, MeSH D030342.

Submission:

Ambry Genetics
Classification: Uncertain significance for Inborn genetic diseases. Last evaluated: 2024-12-22. Review status: criteria provided, single submitter. Criteria: Ambry Variant Classification Scheme 2023. Collection method: clinical testing. Allele origin: germline.
Comment: The p.I446M variant (also known as c.1338A>G), located in coding exon 8 of the ETV6 gene, results from an A to G substitution at nucleotide position 1338. The isoleucine at codon 446 is replaced by methionine, an amino acid with highly similar properties. This amino acid position is conserved. In addition, this alteration is predicted to be tolerated by in silico analysis. Based on the available evidence, the clinical significance of this variant remains unclear.